The following is an entry in ClinVar:

NM_017636.4(TRPM4):c.2420del (p.Pro807fs)

Gene: TRPM4 (transient receptor potential cation channel subfamily M member 4; plus strand). Cytogenetic location: 19q13.33.
Variant type: Deletion.
Coding change: c.2420del on transcript NM_017636.4 (MANE Select); coding-DNA position 2420, one base deleted (C; older notation c.2420delC).
Protein change: p.Pro807fs; shifts the reading frame from proline 807.
Molecular consequence: frameshift variant. On other transcripts: intron variant (1).
Genome position (GRCh38, 1-based): chr19:49,196,649, C deleted; the last of 2 consecutive C bases (chr19:49,196,648-49,196,649); deleting either gives the same sequence. VCF-style (leftmost placement, unchanged base first): chr19-49196647-GC-G. GRCh37 (hg19) VCF-style: chr19-49699904-GC-G.
Other names: c.2075del, p.Pro692fs (NM_001321281.2); c.812del, p.Pro271fs (NM_001321282.2); c.1898del, p.Pro633fs (NM_001321283.2); c.1358del, p.Pro453fs (NM_001321285.2); c.2211-3651del (NM_001195227.2); short protein forms P453fs, P692fs, P271fs, P633fs, P807fs.
Identifiers: ClinVar variation 2913458 (VCV002913458.3), dbSNP rs758377753, ClinGen allele CA9569545.

ClinVar aggregate classification (germline): Uncertain significance (1 of 4 stars; one submission).

Conditions:
Progressive familial heart block type IB (PFHB1B). Identifiers: Orphanet 871, MedGen C1970298, MONDO:0011474, OMIM 604559.

Submission:

Labcorp Genetics (formerly Invitae), Labcorp
Classification: Uncertain significance for Progressive familial heart block type IB. Last evaluated: 2024-07-30. Review status: criteria provided, single submitter. Criteria: Invitae Variant Classification Sherloc (09022015). Collection method: clinical testing. Allele origin: germline.
Comment: This sequence change creates a premature translational stop signal (p.Pro807Argfs*27) in the TRPM4 gene. It is expected to result in an absent or disrupted protein product. However, the current clinical and genetic evidence is not sufficient to establish whether loss-of-function variants in TRPM4 cause disease. This variant is present in population databases (rs758377753, gnomAD 0.003%). This variant has not been reported in the literature in individuals affected with TRPM4-related conditions. In summary, the available evidence is currently insufficient to determine the role of this variant in disease. Therefore, it has been classified as a Variant of Uncertain Significance.